The following is an entry in ClinVar:

ClinVar aggregate classification (germline): Uncertain significance (1 of 4 stars; one submission).

Allele frequency attached by ClinVar (database versions not stated): gnomAD exomes below 0.00001.
gnomAD v4.1: 3 of 1,583,620 alleles (0.00019%); highest among the groups gnomAD compares: South Asian, 0.0011%; no homozygotes.

Submission:

Ambry Genetics
Classification: Uncertain significance. Last evaluated: 2022-01-19. Review status: criteria provided, single submitter. Criteria: Ambry Variant Classification Scheme 2023. Collection method: clinical testing. Allele origin: germline.
Comment: The p.K240E variant (also known as c.718A>G), located in coding exon 8 of the NEBL gene, results from an A to G substitution at nucleotide position 718. The lysine at codon 240 is replaced by glutamic acid, an amino acid with similar properties. This amino acid position is conserved. In addition, this alteration is predicted to be tolerated by in silico analysis. Since supporting evidence is limited at this time, the clinical significance of this alteration remains unclear.

NM_006393.3(NEBL):c.718A>G (p.Lys240Glu)

Gene: NEBL (nebulette; minus strand). Cytogenetic location: 10p12.31.
Variant type: single nucleotide variant.
Coding change: c.718A>G on transcript NM_006393.3 (MANE Select); coding-DNA position 718, A replaced by G.
Protein change: p.Lys240Glu; replaces lysine 240 with glutamic acid.
Molecular consequence: missense variant. On other transcripts: intron variant (9).
Genome position (GRCh38, 1-based): chr10:20,859,793, T>C on the plus strand (A>G on the coding strand, the complement: NEBL is on the minus strand). VCF-style: chr10-20859793-T-C. GRCh37 (hg19) VCF-style: chr10-21148722-T-C.
Other names: c.250-46853A>G (NM_001377326.1, NM_001377327.1, NM_001377328.1); c.358-46853A>G (NM_213569.2, NM_001173484.2, NM_001377322.1); c.301-46853A>G (NM_001377324.1); c.292-46853A>G (NM_001377325.1); c.310-46853A>G (NM_001377323.1); short protein forms K240E.
Identifiers: ClinVar variation 1757574 (VCV001757574.2), dbSNP rs1213415930, ClinGen allele CA376102429.